The following is an entry in ClinVar:

NM_014587.5(SOX8):c.935C>T (p.Ala312Val)

Gene: SOX8 (SRY-box transcription factor 8; plus strand). Cytogenetic location: 16p13.3.
Variant type: single nucleotide variant.
Coding change: c.935C>T on transcript NM_014587.5 (MANE Select); coding-DNA position 935, C replaced by T.
Protein change: p.Ala312Val; replaces alanine 312 with valine.
Molecular consequence: missense variant.
Genome position (GRCh38, 1-based): chr16:984,980, C>T. VCF-style: chr16-984980-C-T. GRCh37 (hg19) VCF-style: chr16-1034980-C-T.
Other names: Ala312Val; c.935C>T (NM_014587.3); short protein forms A312V.
Identifiers: ClinVar variation 3909975 (VCV003909975.2).

ClinVar aggregate classification (germline): Conflicting classifications of pathogenicity. Review status: criteria provided, conflicting classifications (1 of 4 stars). 2 submissions from 2 submitters: Likely pathogenic (1); Uncertain significance (1). Last evaluated 2025-08-12.

Conditions:
Aplasia of the ovary. Identifiers: MedGen C0266368, HP:0010463.

gnomAD v4.1: 45 of 1,587,682 alleles (0.0028%); highest among the groups gnomAD compares: Middle Eastern, 0.017%; no homozygotes.

Submissions (2):

Ambry Genetics
Classification: Uncertain significance. Last evaluated: 2025-08-12. Review status: criteria provided, single submitter. Criteria: Ambry Variant Classification Scheme 2023. Collection method: clinical testing. Allele origin: germline.

Medical Genetics Clinic, University of Catania
Classification: Likely pathogenic for Aplasia of the ovary. Last evaluated: 2024-11-20. Review status: criteria provided, single submitter. Criteria: ACMG Guidelines, 2015. Collection method: clinical testing. Allele origin: maternal. Inheritance: Autosomal dominant inheritance. Affected: yes. Observed: 1 heterozygote.
Comment: The c.935C>T variant in the SOX8 gene causes the substitution of an Alanine with a Valine at position 312. This variant has extremely low frequency in gnomAD population databases and the Cadd score for this variant is 15.03. Compound heterozygous variants have been reported in the literature in patients presenting with gonadal dysgenesis, male infertility, primary ovarian failure, osteopenia and primary amenorrhea in females (PMID 38235364). Simple heterozygous variants in the SOX8 gene have been associated with primary ovarian failure (PMID 29373757)

Literature cited by the submitters: PubMed 38235364 (cited by Medical Genetics Clinic, University of Catania); PubMed 29373757 (cited by Medical Genetics Clinic, University of Catania).